The following is an entry in ClinVar:

ClinVar aggregate classification (germline): Conflicting classifications of pathogenicity. Review status: criteria provided, conflicting classifications (1 of 4 stars). 7 submissions from 7 submitters: Uncertain significance (5); Benign (1); Likely benign (1). Last evaluated 2026-09-10.

Conditions:
MYH9-related disorder. Identifiers: MedGen C1854520.
Macrothrombocytopenia and granulocyte inclusions with or without nephritis or sensorineural hearing loss (MATINS). Also called: BLEEDING DISORDER, PLATELET-TYPE, 6; MAY-HEGGLIN ANOMALY; SEBASTIAN PLATELET SYNDROME; MACROTHROMBOCYTOPENIA WITH DISPERSED LEUKOCYTIC INCLUSIONS; MACROTHROMBOCYTOPENIA, NEPHRITIS, AND DEAFNESS; MACROTHROMBOCYTOPENIA, NEPHRITIS, DEAFNESS, AND LEUKOCYTE INCLUSIONS. Identifiers: Orphanet 182050, MedGen C5200934, MONDO:0015912, OMIM 155100.
Inborn genetic diseases. Identifiers: MedGen C0950123, MeSH D030342.
Autosomal dominant nonsyndromic hearing loss 17. Also called: Deafness, autosomal dominant 17; Autosomal dominant nonsyndromic deafness 17. Identifiers: Orphanet 90635, MedGen C1863659, MONDO:0011350, OMIM 603622.

Allele frequency attached by ClinVar (database versions not stated): TOPMed 0.00001; gnomAD exomes 0.00003; ExAC 0.00004.
gnomAD v4.1: 22 of 1,613,392 alleles (0.0014%); highest among the groups gnomAD compares: Admixed American, 0.0083%; no homozygotes.

Submissions (7):

PreventionGenetics, part of Exact Sciences
Classification: Uncertain significance for MYH9-related condition. Last evaluated: 2026-09-10. Review status: criteria provided, single submitter. Criteria: ACMG Guidelines, 2015. Collection method: clinical testing. Allele origin: germline.
Comment: The MYH9 c.5806C>T variant is predicted to result in the amino acid substitution p.Arg1936Trp. To our knowledge, this variant has not been reported in the literature. This variant is reported in 0.0098% of alleles in individuals of South Asian descent in gnomAD. At this time, the clinical significance of this variant is uncertain due to the absence of conclusive functional and genetic evidence.

Labcorp Genetics (formerly Invitae), Labcorp
Classification: Benign. Last evaluated: 2025-11-28. Review status: criteria provided, single submitter. Criteria: Invitae Variant Classification Sherloc (09022015). Collection method: clinical testing. Allele origin: germline.

Ambry Genetics
Classification: Likely benign for Inborn genetic diseases. Last evaluated: 2025-01-08. Review status: criteria provided, single submitter. Criteria: Ambry Variant Classification Scheme 2023. Collection method: clinical testing. Allele origin: germline.

GeneDx
Classification: Uncertain significance. Last evaluated: 2022-12-05. Review status: criteria provided, single submitter. Criteria: GeneDx Variant Classification Process June 2021. Collection method: clinical testing. Allele origin: germline. Affected: yes.
Comment: In silico analysis supports that this missense variant has a deleterious effect on protein structure/function; Has not been previously published as pathogenic or benign to our knowledge

Johns Hopkins Genomics, Johns Hopkins University
Classification: Uncertain significance for Macrothrombocytopenia and granulocyte inclusions with or without nephritis or sensorineural hearing loss. Last evaluated: 2022-04-04. Review status: criteria provided, single submitter. Criteria: ACMG Guidelines, 2015. Collection method: clinical testing. Allele origin: germline.
Comment: This MYH9 missense variant (rs727503281) is rare (<0.1%) in a large population dataset (gnomAD: 8/250532 total alleles; 0.003193%; no homozygotes). It has an entry in ClinVar (Variation ID 164412), but has not ben reported in the literature, to our knowledge. Three bioinformatic tools queried predict that this substitution would be deleterious, and the arginine residue at this position is evolutionarily conserved across all species assessed. We consider the clinical significance of c.5806C>T to be uncertain at this time.

Fulgent Genetics
Classification: Uncertain significance for Macrothrombocytopenia and granulocyte inclusions with or without nephritis or sensorineural hearing loss; Autosomal dominant nonsyndromic hearing loss 17. Last evaluated: 2021-07-21. Review status: criteria provided, single submitter. Criteria: ACMG Guidelines, 2015. Collection method: clinical testing. Allele origin: unknown.

Laboratory for Molecular Medicine, Mass General Brigham Personalized Medicine
Classification: Uncertain significance. Last evaluated: 2013-06-21. Review status: criteria provided, single submitter. Criteria: LMM Criteria. Collection method: clinical testing. Allele origin: germline. Observed: 1 variant allele.
Comment: Variant classified as Uncertain Significance - Favor Benign. The Arg1936Trp vari ant in MYH9 has not been reported in the literature or in large population studi es. The arginine (Arg) residue at position 1936 is not conserved across species , with sloth having a Trp. Although additional information is needed to fully as sess the clinical significance of this variant; the lack of conservation suggest s a more likely benign role.

NM_002473.6(MYH9):c.5806C>T (p.Arg1936Trp)

Gene: MYH9 (myosin heavy chain 9; minus strand). Cytogenetic location: 22q12.3.
Variant type: single nucleotide variant.
Coding change: c.5806C>T on transcript NM_002473.6 (MANE Select); coding-DNA position 5806, C replaced by T.
Protein change: p.Arg1936Trp; replaces arginine 1936 with tryptophan.
Molecular consequence: missense variant.
Genome position (GRCh38, 1-based): chr22:36,282,745, G>A on the plus strand (C>T on the coding strand, the complement: MYH9 is on the minus strand). VCF-style: chr22-36282745-G-A. GRCh37 (hg19) VCF-style: chr22-36678791-G-A.
Other names: short protein forms R1936W.
Identifiers: ClinVar variation 164412 (VCV000164412.13), dbSNP rs727503281, ClinGen allele CA177061.
Genomic context (GRCh38, chr22:36,282,745, plus strand): 5'-CCTCAGCCCCATCCGCTTTGCCATCTACCTCTTCGTCGGAGCCATCCCCGGCGCCTTTCC[G>A]GGCCATTCGGCGGGGCACGACAAACGGCAGGTCCCCGCGCCTGGGGGCAGAGGTAGAAGC-3'
Protein context (NP_002464.1, residues 1926-1946): LPFVVPRRMA[Arg1936Trp]KGAGDGSDEE